The following is an entry in ClinVar:

NM_020822.3(KCNT1):c.254+18_254+19dup

Gene: KCNT1 (potassium sodium-activated channel subfamily T member 1; plus strand). Cytogenetic location: 9q34.3.
Variant type: Duplication.
Coding change: c.254+18_254+19dup on transcript NM_020822.3 (MANE Select); bases 18 to 19 of the intron after coding-DNA position 254, 2 bases duplicated (GG; older notation c.254+18_254+19dupGG).
Molecular consequence: intron variant.
Genome position (GRCh38, 1-based): chr9:135,714,738-135,714,739, GG duplicated; duplicating any 2 consecutive bases within chr9:135,714,736-135,714,739 gives the same sequence; the c. name uses the placement nearest the transcript's 3' end. VCF-style (leftmost placement, unchanged base first): chr9-135714735-C-CGG. GRCh37 (hg19) VCF-style: chr9-138606581-C-CGG.
Other names: c.110+12370_110+12371dup (NM_001272003.2); c.254+18_254+19dupGG (NM_020822.2).
Identifiers: ClinVar variation 261362 (VCV000261362.16), dbSNP rs141291153, ClinGen allele CA5326313.

ClinVar aggregate classification (germline): Benign. Review status: criteria provided, multiple submitters, no conflicts (2 of 4 stars). 8 submissions from 6 submitters: Benign (7). 1 of the submissions does not count toward it. Last evaluated 2026-02-04.

Conditions:
Autosomal dominant nocturnal frontal lobe epilepsy 5. Also called: Epilepsy, nocturnal frontal lobe, 5; CILIARY DYSKINESIA, PRIMARY, 28, WITHOUT SITUS INVERSUS; CILIARY DYSKINESIA, PRIMARY, 28, WITH SITUS INVERSUS; KCNT1-Related Epilepsy. Identifiers: Orphanet 98784, MedGen C3554306, MONDO:0014002, OMIM 615005.
Developmental and epileptic encephalopathy, 14 (DEE14). Also called: Early infantile epileptic encephalopathy 14. Identifiers: Orphanet 293181, MedGen C3554195, MONDO:0013989, OMIM 614959.

Submissions (8):

Labcorp Genetics (formerly Invitae), Labcorp
Classification: Benign for Autosomal dominant nocturnal frontal lobe epilepsy 5; Developmental and epileptic encephalopathy, 14. Last evaluated: 2026-02-04. Review status: criteria provided, single submitter. Criteria: Invitae Variant Classification Sherloc (09022015). Collection method: clinical testing. Allele origin: germline.

Blueprint Genetics
Classification: Benign. Last evaluated: 2024-11-27. Review status: criteria provided, single submitter. Criteria: ACMG Guidelines, 2015. Collection method: clinical testing. Allele origin: germline.

Unidad de Genómica Garrahan, Hospital de Pediatría Garrahan
Classification: Benign. Last evaluated: 2024-07-15. Review status: criteria provided, single submitter. Criteria: ACMG Guidelines, 2015. Collection method: clinical testing. Allele origin: germline. Affected: no. Observed: 41 variant alleles.
Comment: This variant is classified as Benign based on local population frequency. This variant was detected in 44% of patients studied in a panel designed for Epileptic and Developmental Encephalopathy and Progressive Myoclonus Epilepsy. Number of patients: 41. Only high quality variants are reported.

Genome-Nilou Lab
Classification: Benign for Developmental and epileptic encephalopathy, 14. Last evaluated: 2021-08-19. Review status: criteria provided, single submitter. Criteria: ACMG Guidelines, 2015. Collection method: clinical testing. Allele origin: germline. Affected: no.

Genome-Nilou Lab
Classification: Benign for Autosomal dominant nocturnal frontal lobe epilepsy 5. Last evaluated: 2021-08-19. Review status: criteria provided, single submitter. Criteria: ACMG Guidelines, 2015. Collection method: clinical testing. Allele origin: germline. Affected: no.

GeneDx
Classification: Benign. Last evaluated: 2018-05-11. Review status: criteria provided, single submitter. Criteria: GeneDx Variant Classification Process June 2021. Collection method: clinical testing. Allele origin: germline. Affected: yes.

PreventionGenetics, part of Exact Sciences
Classification: Benign. Review status: criteria provided, single submitter. Criteria: ACMG Guidelines, 2015. Collection method: clinical testing. Allele origin: germline.

GeneDx
Classification: Benign. Last evaluated: 2016-01-04. Review status: flagged submission. Criteria: GeneDx Variant Classification Process June 2021. Collection method: clinical testing. Allele origin: germline. Affected: yes. Not counted in ClinVar's aggregate classification.
ClinVar note: Reason: This record appears to be redundant with a more recent record from the same submitter.
ClinVar note: Notes: SCV001899373 appears to be redundant with SCV000731008.